The following is an entry in ClinVar:

NM_006231.4(POLE):c.5495T>G (p.Leu1832Arg)

Gene: POLE (DNA polymerase epsilon, catalytic subunit; minus strand). Cytogenetic location: 12q24.33.
Variant type: single nucleotide variant.
Coding change: c.5495T>G on transcript NM_006231.4 (MANE Select); coding-DNA position 5495, T replaced by G.
Protein change: p.Leu1832Arg; replaces leucine 1832 with arginine.
Molecular consequence: missense variant.
Genome position (GRCh38, 1-based): chr12:132,639,182, A>C on the plus strand (T>G on the coding strand, the complement: POLE is on the minus strand). VCF-style: chr12-132639182-A-C. GRCh37 (hg19) VCF-style: chr12-133215768-A-C.
Other names: short protein forms L1832R.
Identifiers: ClinVar variation 1716564 (VCV001716564.5), dbSNP rs2138509201, ClinGen allele CA387374650.

ClinVar aggregate classification (germline): Uncertain significance (1 of 4 stars; one submission).

Submission:

Labcorp Genetics (formerly Invitae), Labcorp
Classification: Uncertain significance. Last evaluated: 2022-08-16. Review status: criteria provided, single submitter. Criteria: Invitae Variant Classification Sherloc (09022015). Collection method: clinical testing. Allele origin: germline.
Comment: In summary, the available evidence is currently insufficient to determine the role of this variant in disease. Therefore, it has been classified as a Variant of Uncertain Significance. Algorithms developed to predict the effect of missense changes on protein structure and function (SIFT, PolyPhen-2, Align-GVGD) all suggest that this variant is likely to be disruptive. This variant has not been reported in the literature in individuals affected with POLE-related conditions. This variant is not present in population databases (gnomAD no frequency). This sequence change replaces leucine, which is neutral and non-polar, with arginine, which is basic and polar, at codon 1832 of the POLE protein (p.Leu1832Arg).